The following is an entry in ClinVar:

NM_004006.3(DMD):c.3774C>G (p.Cys1258Trp)

Gene: DMD (dystrophin; minus strand). Cytogenetic location: Xp21.1.
Variant type: single nucleotide variant.
Coding change: c.3774C>G on transcript NM_004006.3 (MANE Select); coding-DNA position 3774, C replaced by G.
Protein change: p.Cys1258Trp; replaces cysteine 1258 with tryptophan.
Molecular consequence: missense variant.
Genome position (GRCh38, 1-based): chrX:32,448,468, G>C on the plus strand (C>G on the coding strand, the complement: DMD is on the minus strand). VCF-style: chrX-32448468-G-C. GRCh37 (hg19) VCF-style: chrX-32466585-G-C.
Other names: c.3750C>G, p.Cys1250Trp (NM_000109.4); c.3762C>G, p.Cys1254Trp (NM_004009.3); c.3405C>G, p.Cys1135Trp (NM_004010.3); short protein forms C1135W, C1250W, C1254W, C1258W.
Identifiers: ClinVar variation 4687738 (VCV004687738.1).
Genomic context (GRCh38, chrX:32,448,468, plus strand): 5'-GACCATGTATTGACATATCATTGACAAAGACCAAGAAAAGCAACTGACTTCCAAAGTCTT[G>C]CATTTCCCATTCAGCCTAGTGCAGAGCCACTGGTAGTTGGTGGTTAGAGTTTCAAGTTCC-3'
Protein context (NP_003997.2, residues 1248-1268): QWLCTRLNGK[Cys1258Trp]KTLEEVWACW

ClinVar aggregate classification (germline): Uncertain significance (1 of 4 stars; one submission).

gnomAD v4.1: 1 of 1,208,239 alleles (0.000083%); highest among the groups gnomAD compares: East Asian, 0.003%; no homozygotes.

Submission:

Women's Health and Genetics/Laboratory Corporation of America, LabCorp
Classification: Uncertain significance. Last evaluated: 2025-10-27. Review status: criteria provided, single submitter. Criteria: LabCorp Variant Classification Summary - May 2015. Collection method: clinical testing. Allele origin: germline.
Comment: Variant summary: DMD c.3774C>G (p.Cys1258Trp) results in a non-conservative amino acid change in the encoded protein sequence. Algorithms developed to predict the effect of missense changes on protein structure and function are either unavailable or do not agree on the potential impact of this missense change. The variant allele was found at a frequency of 5.5e-06 in 182263 control chromosomes. The available data on variant occurrences in the general population are insufficient to allow any conclusion about variant significance. c.3774C>G has been observed in at-least one individual affected with DMD-related disease (Ma_2018). These report(s) do not provide unequivocal conclusions about association of the variant with Dystrophinopathies. To our knowledge, no experimental evidence demonstrating an impact on protein function has been reported. The following publication has been ascertained in the context of this evaluation (PMID: 29973226). No submitters have cited clinical-significance assessments for this variant to ClinVar. Based on the evidence outlined above, the variant was classified as uncertain significance.

Literature cited by the submitters: PubMed 29973226.